The following is an entry in ClinVar:

NM_002471.4(MYH6):c.1531T>A (p.Phe511Ile)

Gene: MYH6 (myosin heavy chain 6; minus strand). Cytogenetic location: 14q11.2.
Variant type: single nucleotide variant.
Coding change: c.1531T>A on transcript NM_002471.4 (MANE Select); coding-DNA position 1531, T replaced by A.
Protein change: p.Phe511Ile; replaces phenylalanine 511 with isoleucine.
Molecular consequence: missense variant.
Genome position (GRCh38, 1-based): chr14:23,400,306, A>T on the plus strand (T>A on the coding strand, the complement: MYH6 is on the minus strand). VCF-style: chr14-23400306-A-T. GRCh37 (hg19) VCF-style: chr14-23869515-A-T.
Other names: short protein forms F511I.
Identifiers: ClinVar variation 1774644 (VCV001774644.2), dbSNP rs1319467982, ClinGen allele CA389022449.

ClinVar aggregate classification (germline): Uncertain significance (1 of 4 stars; one submission).

Conditions:
Cardiovascular phenotype. Identifiers: MedGen CN230736.

Submission:

Ambry Genetics
Classification: Uncertain significance for Cardiovascular phenotype. Last evaluated: 2022-05-24. Review status: criteria provided, single submitter. Criteria: Ambry Variant Classification Scheme 2023. Collection method: clinical testing. Allele origin: germline.
Comment: The p.F511I variant (also known as c.1531T>A), located in coding exon 12 of the MYH6 gene, results from a T to A substitution at nucleotide position 1531. The phenylalanine at codon 511 is replaced by isoleucine, an amino acid with highly similar properties. This amino acid position is conserved. In addition, this alteration is predicted to be deleterious by in silico analysis. Since supporting evidence is limited at this time, the clinical significance of this alteration remains unclear.